The following is an entry in ClinVar:

NM_000051.4(ATM):c.2152dup (p.Cys718fs)

Gene: ATM (ATM serine/threonine kinase; plus strand). Cytogenetic location: 11q22.3.
Variant type: Duplication.
Coding change: c.2152dup on transcript NM_000051.4 (MANE Select); coding-DNA position 2152, one base duplicated (T; older notation c.2152dupT).
Protein change: p.Cys718fs; shifts the reading frame from cysteine 718.
Molecular consequence: frameshift variant.
Genome position (GRCh38, 1-based): chr11:108,256,242, T duplicated. VCF-style (leftmost placement, unchanged base first): chr11-108256241-G-GT. GRCh37 (hg19) VCF-style: chr11-108126968-G-GT.
Other names: NM_000051.4(ATM):c.2152dup; p.Cys718fs; c.2152dup, p.Cys718fs (NM_001351834.2); short protein forms C718fs.
Identifiers: ClinVar variation 1027442 (VCV001027442.3), dbSNP rs2135392702, ClinGen allele CA2499220586.

ClinVar aggregate classification (germline): Pathogenic. Review status: reviewed by expert panel (3 of 4 stars). 3 submissions from 3 submitters: Pathogenic (1). 2 of the submissions do not count toward it. Last evaluated 2026-06-19.

Conditions:
ATM-related cancer predisposition. Also called: ATM-related cancer susceptibility. Identifiers: MedGen CN377759, MONDO:0700270.
Hereditary cancer-predisposing syndrome. Also called: Tumor predisposition; Hereditary neoplastic syndrome; Hereditary Cancer Syndrome; Neoplastic Syndromes, Hereditary. Identifiers: Orphanet 140162, MedGen C0027672, MeSH D009386, MONDO:0015356.
Ataxia-telangiectasia syndrome (AT). Also called: Ataxia-telangiectasia; Ataxia telangiectasia (A-T); AT, COMPLEMENTATION GROUP C; Ataxia-telangiectasia, complementation group E; LOUIS-BAR SYNDROME; Cerebello-oculocutaneous telangiectasia. Identifiers: Orphanet 100, MedGen C0004135, MONDO:0008840, OMIM 208900.

Submissions (3):

ClinGen Hereditary Breast, Ovarian and Pancreatic Cancer Variant Curation Expert Panel, ClinGen
Classification: Pathogenic for ATM-related cancer predisposition. Last evaluated: 2026-06-19. Review status: reviewed by expert panel. Criteria: ClinGen HBOP ACMG Specifications ATM V1.5.0. Collection method: curation. Allele origin: germline. Inheritance: Autosomal dominant inheritance.
Comment: The c.2152dup (p.Cys718Leufs*20) variant in ATM is a frameshift variant predicted to cause a premature stop codon in biologically-relevant-exon leading to nonsense mediated decay in a gene in which loss-of-function is an established disease mechanism. This alteration results in a termination codon upstream of the most C-terminus pathogenic alteration (ATM p.Arg3047*), as classified by the HBOP VCEP, and is expected to be more deleterious. This variant has been detected in at least one individual with Ataxia-Telangiectasia (PMID: 34445196). This variant is absent from gnomAD v4.1.0. In summary, this variant meets the criteria to be classified as pathogenic for autosomal dominant ATM-related cancer predisposition and autosomal recessive Ataxia-Telangiectasia based on the ACMG/AMP criteria applied, as specified by the HBOP VCEP. (PVS1, PM5_Supporting, PM2_Supporting)

Ambry Genetics
Classification: Pathogenic for Hereditary cancer-predisposing syndrome. Last evaluated: 2025-06-13. Review status: criteria provided, single submitter. Criteria: Ambry Variant Classification Scheme 2023. Collection method: clinical testing. Allele origin: germline. Not counted in ClinVar's aggregate classification.
Comment: The c.2152dupT pathogenic mutation, located in coding exon 13 of the ATM gene, results from a duplication of T at nucleotide position 2152, causing a translational frameshift with a predicted alternate stop codon (p.C718Lfs*20). This variant has been confirmed in trans with an ATM likely pathogenic variant in an individual diagnosed with ataxia telangiectasia (Galatolo D et al. Int J Mol Sci, 2021 Aug;22:). This variant is considered to be rare based on population cohorts in the Genome Aggregation Database (gnomAD). In addition to the clinical data presented in the literature, this alteration is expected to result in loss of function by premature protein truncation or nonsense-mediated mRNA decay. As such, this alteration is interpreted as a disease-causing mutation.

Molecular Medicine for Neurodegenerative and Neuromuscular Diseases Unit, IRCCS Fondazione Stella Maris
Classification: Pathogenic for Ataxia-telangiectasia syndrome. Last evaluated: 2021-01-04. Review status: criteria provided, single submitter. Criteria: ACMG Guidelines, 2015. Collection method: research. Allele origin: inherited. Affected: yes. Not counted in ClinVar's aggregate classification.

Literature cited by the submitters: PubMed 34445196 (cited by Ambry Genetics).